The following is an entry in ClinVar:

NM_020247.5(COQ8A):c.309G>A (p.Ala103=)

Gene: COQ8A (coenzyme Q8A; plus strand). Cytogenetic location: 1q42.13.
Variant type: single nucleotide variant.
Coding change: c.309G>A on transcript NM_020247.5 (MANE Select); coding-DNA position 309, G replaced by A.
Protein change: p.Ala103=; no amino-acid change (alanine 103 retained).
Molecular consequence: synonymous variant.
Genome position (GRCh38, 1-based): chr1:226,965,131, G>A. VCF-style: chr1-226965131-G-A. GRCh37 (hg19) VCF-style: chr1-227152832-G-A.
Identifiers: ClinVar variation 738132 (VCV000738132.31), dbSNP rs1268268386, ClinGen allele CA423734086.

ClinVar aggregate classification (germline): Likely benign. Review status: criteria provided, multiple submitters, no conflicts (2 of 4 stars). 3 submissions from 3 submitters: Likely benign (3). Last evaluated 2024-10-17.

Allele frequency attached by ClinVar (database versions not stated): gnomAD exomes 0.00001; gnomAD 0.00002; TOPMed 0.00003.
gnomAD v4.1: 8 of 1,613,820 alleles (0.0005%); highest among the groups gnomAD compares: Admixed American, 0.01%; no homozygotes.

Submissions (3):

Labcorp Genetics (formerly Invitae), Labcorp
Classification: Likely benign. Last evaluated: 2024-10-17. Review status: criteria provided, single submitter. Criteria: Invitae Variant Classification Sherloc (09022015). Collection method: clinical testing. Allele origin: germline.

Blueprint Genetics
Classification: Likely benign. Last evaluated: 2024-02-21. Review status: criteria provided, single submitter. Criteria: ACMG Guidelines, 2015. Collection method: clinical testing. Allele origin: germline.

CeGaT Center for Human Genetics Tuebingen
Classification: Likely benign. Last evaluated: 2023-08-01. Review status: criteria provided, single submitter. Criteria: CeGaT Center For Human Genetics Tuebingen Variant Classification Criteria Version 2. Collection method: clinical testing. Allele origin: germline. Affected: yes. Observed: 1 variant allele.
Comment: COQ8A: BP4, BP7